The following is an entry in ClinVar:

NM_182948.4(PRKACB):c.1040C>T (p.Thr347Met)

Gene: PRKACB (protein kinase cAMP-activated catalytic subunit beta; plus strand). Cytogenetic location: 1p31.1.
Variant type: single nucleotide variant.
Coding change: c.1040C>T on transcript NM_182948.4 (MANE Select); coding-DNA position 1040, C replaced by T.
Protein change: p.Thr347Met; replaces threonine 347 with methionine.
Molecular consequence: missense variant.
Genome position (GRCh38, 1-based): chr1:84,214,286, C>T. VCF-style: chr1-84214286-C-T. GRCh37 (hg19) VCF-style: chr1-84679969-C-T.
Other names: c.887C>T, p.Thr296Met (NM_001375563.1); c.884C>T, p.Thr295Met (NM_001375564.1); c.860C>T, p.Thr287Met (NM_001375565.1, NM_001242862.3); c.899C>T, p.Thr300Met (NM_002731.4); c.920C>T, p.Thr307Met (NM_001242857.3); c.863C>T, p.Thr288Met (NM_001242858.3); c.911C>T, p.Thr304Met (NM_001242859.3); c.917C>T, p.Thr306Met (NM_001242860.3); and 4 more; short protein forms T270M, T287M, T288M, T295M, T296M, T298M, T299M, T300M.
Identifiers: ClinVar variation 4083653 (VCV004083653.8).
Genomic context (GRCh38, chr1:84,214,286, plus strand): 5'-AGAGATTTGGAAATCTAAAGAATGGTGTCAGTGATATAAAAACTCACAAGTGGTTTGCCA[C>T]GACAGATTGGATTGCTATTTACCAGAGGAAGGTGAGACTTTCTTTTTTAATTTAAAAGCT-3'
Protein context (NP_891993.1, residues 337-357): SDIKTHKWFA[Thr347Met]TDWIAIYQRK

ClinVar aggregate classification (germline): Likely benign (1 of 4 stars; one submission).

gnomAD v4.1: 770 of 1,607,894 alleles (0.048%); highest among the groups gnomAD compares: Middle Eastern, 0.38%; 4 homozygotes.

Submission:

CeGaT Center for Human Genetics Tuebingen
Classification: Likely benign. Last evaluated: 2026-07-01. Review status: criteria provided, single submitter. Criteria: CeGaT Center For Human Genetics Tuebingen Variant Classification Criteria Version 2. Collection method: clinical testing. Allele origin: germline. Affected: yes. Observed: 2 variant alleles.
Comment: PRKACB: BS2